The following is an entry in ClinVar:

ClinVar aggregate classification (germline): Uncertain significance (1 of 4 stars; one submission).

gnomAD v4.1: 2 of 1,605,896 alleles (0.00012%); highest among the groups gnomAD compares: South Asian, 0.0022%; no homozygotes.

Submission:

Labcorp Genetics (formerly Invitae), Labcorp
Classification: Uncertain significance. Last evaluated: 2024-06-17. Review status: criteria provided, single submitter. Criteria: Invitae Variant Classification Sherloc (09022015). Collection method: clinical testing. Allele origin: germline.
Comment: This sequence change replaces tyrosine, which is neutral and polar, with cysteine, which is neutral and slightly polar, at codon 225 of the F12 protein (p.Tyr225Cys). This variant is not present in population databases (gnomAD no frequency). This variant has not been reported in the literature in individuals affected with F12-related conditions. Advanced modeling of protein sequence and biophysical properties (such as structural, functional, and spatial information, amino acid conservation, physicochemical variation, residue mobility, and thermodynamic stability) performed at Invitae indicates that this missense variant is expected to disrupt F12 protein function with a positive predictive value of 80%. In summary, the available evidence is currently insufficient to determine the role of this variant in disease. Therefore, it has been classified as a Variant of Uncertain Significance.

NM_000505.4(F12):c.674A>G (p.Tyr225Cys)

Gene: F12 (coagulation factor XII; minus strand). Cytogenetic location: 5q35.3.
Variant type: single nucleotide variant.
Coding change: c.674A>G on transcript NM_000505.4 (MANE Select); coding-DNA position 674, A replaced by G.
Protein change: p.Tyr225Cys; replaces tyrosine 225 with cysteine.
Molecular consequence: missense variant.
Genome position (GRCh38, 1-based): chr5:177,404,625, T>C on the plus strand (A>G on the coding strand, the complement: F12 is on the minus strand). VCF-style: chr5-177404625-T-C. GRCh37 (hg19) VCF-style: chr5-176831626-T-C.
Other names: short protein forms Y225C.
Identifiers: ClinVar variation 3688849 (VCV003688849.2).